The following is an entry in ClinVar:

ClinVar aggregate classification (germline): Uncertain significance (1 of 4 stars; one submission).

Conditions:
Hereditary cancer-predisposing syndrome. Also called: Hereditary neoplastic syndrome; Neoplastic Syndromes, Hereditary; Tumor predisposition; Hereditary Cancer Syndrome. Identifiers: Orphanet 140162, MedGen C0027672, MeSH D009386, MONDO:0015356.

Submission:

Ambry Genetics
Classification: Uncertain significance for Hereditary cancer-predisposing syndrome. Last evaluated: 2024-12-15. Review status: criteria provided, single submitter. Criteria: Ambry Variant Classification Scheme 2023. Collection method: clinical testing. Allele origin: germline.
Comment: The p.G203V variant (also known as c.608G>T), located in coding exon 5 of the EGFR gene, results from a G to T substitution at nucleotide position 608. The glycine at codon 203 is replaced by valine, an amino acid with dissimilar properties. This amino acid position is conserved. In addition, this alteration is predicted to be deleterious by in silico analysis. Based on the available evidence, the clinical significance of this variant remains unclear.

NM_005228.5(EGFR):c.608G>T (p.Gly203Val)

Gene: EGFR (epidermal growth factor receptor; plus strand). Cytogenetic location: 7p11.2.
Variant type: single nucleotide variant.
Coding change: c.608G>T on transcript NM_005228.5 (MANE Select); coding-DNA position 608, G replaced by T.
Protein change: p.Gly203Val; replaces glycine 203 with valine.
Molecular consequence: missense variant. On other transcripts: intron variant (1).
Genome position (GRCh38, 1-based): chr7:55,151,342, G>T. VCF-style: chr7-55151342-G-T. GRCh37 (hg19) VCF-style: chr7-55219035-G-T.
Other names: c.473G>T, p.Gly158Val (NM_001346897.2, NM_001346899.2); c.608G>T, p.Gly203Val (NM_001346898.2, NM_201282.2, NM_201283.2 and 1 more transcripts); c.449G>T, p.Gly150Val (NM_001346900.2); c.89-4488G>T (NM_001346941.2); short protein forms G203V, G150V, G158V.
Identifiers: ClinVar variation 3843767 (VCV003843767.1).